The following is an entry in ClinVar:

ClinVar aggregate classification (germline): Likely benign (0 of 4 stars; one submission).

Conditions:
ARSD-related disorder. Also called: ARSD-related condition.

Allele frequency attached by ClinVar (database versions not stated): ExAC 0.00014.

Submission:

PreventionGenetics, part of Exact Sciences
Classification: Likely benign for ARSD-related condition. Last evaluated: 2020-07-31. Review status: no assertion criteria provided. Collection method: clinical testing. Allele origin: germline.
Comment: This variant is classified as likely benign based on ACMG/AMP sequence variant interpretation guidelines (Richards et al. 2015 PMID: 25741868, with internal and published modifications).

NM_001669.4(ARSD):c.992G>A (p.Trp331Ter)

Gene: ARSD (arylsulfatase D; minus strand). Cytogenetic location: Xp22.33.
Variant type: single nucleotide variant.
Coding change: c.992G>A on transcript NM_001669.4 (MANE Select); coding-DNA position 992, G replaced by A.
Protein change: p.Trp331Ter; replaces tryptophan 331 with a stop codon.
Molecular consequence: nonsense.
Genome position (GRCh38, 1-based): chrX:2,915,564, C>T on the plus strand (G>A on the coding strand, the complement: ARSD is on the minus strand). VCF-style: chrX-2915564-C-T. GRCh37 (hg19) VCF-style: chrX-2833605-C-T.
Other names: c.992G>A, p.Trp331Ter (NM_009589.5); short protein forms W331*.
Identifiers: ClinVar variation 3060832 (VCV003060832.2), dbSNP rs111939179, ClinGen allele CA10337608.
Genomic context (GRCh38, chrX:2,915,564, plus strand): 5'-GTTCAAACCTGAGGCCGAGGGTGGAGTGAGGCTCCATGGTACCTTGACTTACCTATGAGC[C>T]AGTCCATCTCCTCCACATTATCACCATATAAGCCATGCTGACTTTTCCCCAGGAATGCAC-3'